The following is an entry in ClinVar:

NM_001130987.2(DYSF):c.1171G>T (p.Glu391Ter)

Gene: DYSF (dysferlin; plus strand). Cytogenetic location: 2p13.2.
Variant type: single nucleotide variant.
Coding change: c.1171G>T on transcript NM_001130987.2 (MANE Select); coding-DNA position 1171, G replaced by T.
Protein change: p.Glu391Ter; replaces glutamic acid 391 with a stop codon.
Molecular consequence: nonsense.
Genome position (GRCh38, 1-based): chr2:71,526,241, G>T. VCF-style: chr2-71526241-G-T. GRCh37 (hg19) VCF-style: chr2-71753371-G-T.
Other names: c.1078G>T, p.Glu360Ter (NM_001130455.2, NM_001130983.2, NM_001130984.2 and 1 more transcripts); c.1075G>T, p.Glu359Ter (NM_001130976.2, NM_001130977.2, NM_001130978.2 and 1 more transcripts); c.1168G>T, p.Glu390Ter (NM_001130979.2, NM_001130980.2, NM_001130981.2); c.1171G>T, p.Glu391Ter (NM_001130982.2, NM_001130985.2); short protein forms E359*, E360*, E390*, E391*.
Identifiers: ClinVar variation 1724742 (VCV001724742.3), dbSNP rs2545491750, ClinGen allele CA347213027.

ClinVar aggregate classification (germline): Likely pathogenic (1 of 4 stars; one submission).

Conditions:
Autosomal recessive limb-girdle muscular dystrophy. Identifiers: Orphanet 102015, MedGen C2931907, MONDO:0015152.

Submission:

Myriad Genetics, Inc.
Classification: Likely pathogenic for Autosomal recessive limb-girdle muscular dystrophy. Last evaluated: 2022-02-25. Review status: criteria provided, single submitter. Criteria: Myriad Autosomal Dominant, Autosomal Recessive and X-Linked Classification Criteria (2023). Collection method: clinical testing. Allele origin: unknown.
Comment: NM_003494.3(DYSF):c.1075G>T(E359*) is expected to be pathogenic in the context of dysferlinopathy. This variant is predicted to lead to an abnormal or absent protein product due to the creation of a premature termination codon in DYSF, a gene where loss-of-function variants are known to be pathogenic. Please note: this variant was assessed in the context of healthy population screening.